The following is an entry in ClinVar:

NC_000018.9:g.(?_44190729)_(44190897_?)del

Gene: LOXHD1 (lipoxygenase homology PLAT domains 1; minus strand). Cytogenetic location: 18q21.1.
Variant type: Deletion.
Identifiers: ClinVar variation 2427295 (VCV002427295.4).

ClinVar aggregate classification (germline): Pathogenic (1 of 4 stars; one submission).

Submission:

Labcorp Genetics (formerly Invitae), Labcorp
Classification: Pathogenic. Last evaluated: 2021-11-30. Review status: criteria provided, single submitter. Criteria: Invitae Variant Classification Sherloc (09022015). Collection method: clinical testing. Allele origin: germline.
Comment: For these reasons, this variant has been classified as Pathogenic. This variant has not been reported in the literature in individuals affected with LOXHD1-related conditions. This variant is a gross deletion of the genomic region encompassing exon(s) 6 of the LOXHD1 gene. This deletion is out-of-frame, and is expected to create a premature termination codon and result in an absent or disrupted protein product. Loss-of-function variants in LOXHD1 are known to be pathogenic (PMID: 19732867, 21465660, 25792669).

Literature cited by the submitters: PubMed 19732867; PubMed 21465660; PubMed 25792669.